The following is an entry in ClinVar:

NM_006767.4(LZTR1):c.1239C>A (p.Ser413Arg)

Gene: LZTR1 (leucine zipper like post translational regulator 1; plus strand). Cytogenetic location: 22q11.21.
Variant type: single nucleotide variant.
Coding change: c.1239C>A on transcript NM_006767.4 (MANE Select); coding-DNA position 1239, C replaced by A.
Protein change: p.Ser413Arg; replaces serine 413 with arginine.
Molecular consequence: missense variant.
Genome position (GRCh38, 1-based): chr22:20,992,883, C>A. VCF-style: chr22-20992883-C-A. GRCh37 (hg19) VCF-style: chr22-21347172-C-A.
Other names: short protein forms S413R.
Identifiers: ClinVar variation 3238039 (VCV003238039.1), dbSNP rs1196230586.

ClinVar aggregate classification (germline): Uncertain significance (1 of 4 stars; one submission).

Conditions:
Hereditary cancer-predisposing syndrome. Also called: Neoplastic Syndromes, Hereditary; Tumor predisposition; Hereditary neoplastic syndrome; Hereditary Cancer Syndrome. Identifiers: Orphanet 140162, MedGen C0027672, MeSH D009386, MONDO:0015356.
Cardiovascular phenotype. Identifiers: MedGen CN230736.

Submission:

Ambry Genetics
Classification: Uncertain significance for Cardiovascular phenotype; Hereditary cancer-predisposing syndrome. Last evaluated: 2023-11-24. Review status: criteria provided, single submitter. Criteria: Ambry Variant Classification Scheme 2023. Collection method: clinical testing. Allele origin: germline.
Comment: The p.S413R variant (also known as c.1239C>A), located in coding exon 11 of the LZTR1 gene, results from a C to A substitution at nucleotide position 1239. The serine at codon 413 is replaced by arginine, an amino acid with dissimilar properties. This amino acid position is conserved. In addition, this alteration is predicted to be tolerated by in silico analysis. Since supporting evidence is limited at this time, the clinical significance of this alteration remains unclear.